The following is an entry in ClinVar:

ClinVar aggregate classification (germline): Uncertain significance. Review status: criteria provided, multiple submitters, no conflicts (2 of 4 stars). 2 submissions from 2 submitters: Uncertain significance (2). Last evaluated 2024-10-09.

Conditions:
Inborn genetic diseases. Identifiers: MedGen C0950123, MeSH D030342.

Allele frequency attached by ClinVar (database versions not stated): gnomAD 0.00002; gnomAD exomes 0.00002; TOPMed 0.00002.
gnomAD v4.1: 29 of 1,595,672 alleles (0.0018%); highest among the groups gnomAD compares: Admixed American, 0.0067%; no homozygotes.

Submissions (2):

GeneDx
Classification: Uncertain significance. Last evaluated: 2024-10-09. Review status: criteria provided, single submitter. Criteria: GeneDx Variant Classification Process June 2021. Collection method: clinical testing. Allele origin: germline. Affected: yes.
Comment: Not observed at significant frequency in large population cohorts (gnomAD); In silico analysis supports that this missense variant has a deleterious effect on protein structure/function; Has not been previously published as pathogenic or benign to our knowledge

Ambry Genetics
Classification: Uncertain significance for Inborn genetic diseases. Last evaluated: 2023-11-14. Review status: criteria provided, single submitter. Criteria: Ambry Variant Classification Scheme 2023. Collection method: clinical testing. Allele origin: germline.

NM_005006.7(NDUFS1):c.1144C>T (p.Arg382Cys)

Gene: NDUFS1 (NADH:ubiquinone oxidoreductase core subunit S1; minus strand). Cytogenetic location: 2q33.3.
Variant type: single nucleotide variant.
Coding change: c.1144C>T on transcript NM_005006.7 (MANE Select); coding-DNA position 1144, C replaced by T.
Protein change: p.Arg382Cys; replaces arginine 382 with cysteine.
Molecular consequence: missense variant.
Genome position (GRCh38, 1-based): chr2:206,142,059, G>A on the plus strand (C>T on the coding strand, the complement: NDUFS1 is on the minus strand). VCF-style: chr2-206142059-G-A. GRCh37 (hg19) VCF-style: chr2-207006783-G-A.
Other names: c.1036C>T, p.Arg346Cys (NM_001199981.2); c.811C>T, p.Arg271Cys (NM_001199982.2); c.973C>T, p.Arg325Cys (NM_001199983.2); c.1186C>T, p.Arg396Cys (NM_001199984.2); c.1144C>T (NM_005006.5); short protein forms R271C, R382C, R325C, R396C, R346C.
Identifiers: ClinVar variation 3188071 (VCV003188071.2), dbSNP rs1181556411, ClinGen allele CA350052626.